The following is an entry in ClinVar:

ClinVar aggregate classification (germline): Conflicting classifications of pathogenicity. Review status: criteria provided, conflicting classifications (1 of 4 stars). 3 submissions from 3 submitters: Uncertain significance (1); Likely benign (2). Last evaluated 2026-05-01.

Conditions:
Progressive sclerosing poliodystrophy (MTDPS4A). Also called: Mitochondrial DNA Depletion Syndrome 4A; Mitochondrial DNA depletion syndrome 4A (Alpers type); NEURONAL DEGENERATION OF CHILDHOOD WITH LIVER DISEASE, PROGRESSIVE; Alpers-Huttenlocher Syndrome (AHS); ALPERS PROGRESSIVE INFANTILE POLIODYSTROPHY; Alpers Syndrome. Identifiers: Orphanet 726, MedGen C0205710, MONDO:0008758, OMIM 203700.

Allele frequency attached by ClinVar (database versions not stated): gnomAD exomes 0.00001 and 0.00002; ExAC 0.00002; TOPMed 0.00002.
gnomAD v4.1: 14 of 1,614,094 alleles (0.00087%); highest among the groups gnomAD compares: Admixed American, 0.0083%; no homozygotes.

Submissions (3):

CeGaT Center for Human Genetics Tuebingen
Classification: Likely benign. Last evaluated: 2026-05-01. Review status: criteria provided, single submitter. Criteria: CeGaT Center For Human Genetics Tuebingen Variant Classification Criteria Version 2. Collection method: clinical testing. Allele origin: germline. Affected: yes. Observed: 1 variant allele.
Comment: POLG: BP4

Labcorp Genetics (formerly Invitae), Labcorp
Classification: Likely benign for Progressive sclerosing poliodystrophy. Last evaluated: 2026-01-26. Review status: criteria provided, single submitter. Criteria: Invitae Variant Classification Sherloc (09022015). Collection method: clinical testing. Allele origin: germline.

Wong Mito Lab, Molecular and Human Genetics, Baylor College of Medicine
Classification: Uncertain significance for Progressive sclerosing poliodystrophy. Last evaluated: 2018-10-01. Review status: criteria provided, single submitter. Criteria: ACMG Guidelines, 2015. Collection method: clinical testing. Allele origin: germline.
Comment: The NM_002693.2:c.3273+8G>A (NP_002684.1:p.=) [GRCH38: NC_000015.10:g.89318923C>T] variant in POLG gene is interpretated to be a Uncertain Significance based on ACMG guidelines (PMID: 25741868). This variant meets the following evidence codes reported in the ACMG-guideline. BP4:Computational evidence/predictors indicate no impact on the POLG structure, function, or protein-protein interaction. Based on the evidence criteria codes applied, the variant is suggested to be Uncertain Significance.

NM_002693.3(POLG):c.3273+8G>A

Gene: POLG (DNA polymerase gamma, catalytic subunit; minus strand). Cytogenetic location: 15q26.1.
Variant type: single nucleotide variant.
Coding change: c.3273+8G>A on transcript NM_002693.3 (MANE Select); 8 bases into the intron after coding-DNA position 3273, G replaced by A.
Molecular consequence: intron variant.
Genome position (GRCh38, 1-based): chr15:89,318,923, C>T on the plus strand (G>A on the coding strand, the complement: POLG is on the minus strand). VCF-style: chr15-89318923-C-T. GRCh37 (hg19) VCF-style: chr15-89862154-C-T.
Other names: c.3273+8G>A (NM_001126131.2).
Identifiers: ClinVar variation 619432 (VCV000619432.15), dbSNP rs776468044, ClinGen allele CA7724191.